The following is an entry in ClinVar:

ClinVar aggregate classification (germline): Uncertain significance. Review status: criteria provided, multiple submitters, no conflicts (2 of 4 stars). 4 submissions from 3 submitters: Uncertain significance (4). Last evaluated 2024-12-09.

Conditions:
Cardiovascular phenotype. Identifiers: MedGen CN230736.
Hereditary cancer-predisposing syndrome. Also called: Hereditary Cancer Syndrome; Neoplastic Syndromes, Hereditary; Tumor predisposition; Hereditary neoplastic syndrome. Identifiers: Orphanet 140162, MedGen C0027672, MeSH D009386, MONDO:0015356.
Neurofibromatosis, type 1 (NF1). Also called: Neurofibromatosis, type I; VON RECKLINGHAUSEN DISEASE; NEUROFIBROMATOSIS, TYPE I, SOMATIC; Peripheral type neurofibromatosis. Identifiers: Orphanet 636, MedGen C0027831, MONDO:0018975, OMIM 162200. Disease mechanism: loss of function.

Allele frequency attached by ClinVar (database versions not stated): gnomAD exomes below 0.00001.
gnomAD v4.1: 2 of 1,614,092 alleles (0.00012%); highest among the groups gnomAD compares: Non-Finnish European, 0.000085%; no homozygotes.

Submissions (4):

Labcorp Genetics (formerly Invitae), Labcorp
Classification: Uncertain significance for Neurofibromatosis, type 1. Last evaluated: 2024-12-09. Review status: criteria provided, single submitter. Criteria: Invitae Variant Classification Sherloc (09022015). Collection method: clinical testing. Allele origin: germline.
Comment: This sequence change replaces arginine, which is basic and polar, with cysteine, which is neutral and slightly polar, at codon 2793 of the NF1 protein (p.Arg2793Cys). This variant is not present in population databases (gnomAD no frequency). This variant has not been reported in the literature in individuals affected with NF1-related conditions. ClinVar contains an entry for this variant (Variation ID: 229682). Invitae Evidence Modeling of protein sequence and biophysical properties (such as structural, functional, and spatial information, amino acid conservation, physicochemical variation, residue mobility, and thermodynamic stability) has been performed for this missense variant. However, the output from this modeling did not meet the statistical confidence thresholds required to predict the impact of this variant on NF1 protein function. In summary, the available evidence is currently insufficient to determine the role of this variant in disease. Therefore, it has been classified as a Variant of Uncertain Significance.

Genome-Nilou Lab
Classification: Uncertain significance for Neurofibromatosis, type 1. Last evaluated: 2022-03-15. Review status: criteria provided, single submitter. Criteria: ACMG Guidelines, 2015. Collection method: clinical testing. Allele origin: germline. Affected: no.

Ambry Genetics
Classification: Uncertain significance for Cardiovascular phenotype; Hereditary cancer-predisposing syndrome. Last evaluated: 2022-02-18. Review status: criteria provided, single submitter. Criteria: Ambry Variant Classification Scheme 2023. Collection method: clinical testing. Allele origin: germline.

Ambry Genetics
Classification: Uncertain significance for Hereditary cancer-predisposing syndrome. Last evaluated: 2014-11-10. Review status: criteria provided, single submitter. Criteria: Ambry Autosomal Dominant and X-Linked criteria (10/2015). Collection method: clinical testing. Allele origin: germline. Observed: 1 variant allele.
Comment: The p.R2814C variant (also known as c.8440C>T), located in coding exon 58 of the NF1 gene, results from a C to T substitution at nucleotide position 8440. The arginine at codon 2814 is replaced by cysteine, an amino acid with highly dissimilar properties. This variant was not reported in population based cohorts in the following databases: Database of Single Nucleotide Polymorphisms (dbSNP), NHLBI Exome Sequencing Project (ESP), and 1000 Genomes Project. In the ESP, this variant was not observed in 6503 samples (13006 alleles) with coverage at this position. To date, this alteration has been detected with an allele frequency of approximately 0.01% (greater than 11000 alleles tested) in our clinical cohort. This amino acid position is highly conserved in available vertebrate species. In addition, this alteration is predicted to be probably damaging and deleterious by PolyPhen and SIFT in silico analyses, respectively. Since supporting evidence is limited at this time, the clinical significance of p.R2814C remains unclear.

NM_001042492.3(NF1):c.8440C>T (p.Arg2814Cys)

Gene: NF1 (neurofibromin 1; plus strand). Cytogenetic location: 17q11.2.
Variant type: single nucleotide variant.
Coding change: c.8440C>T on transcript NM_001042492.3 (MANE Select); coding-DNA position 8440, C replaced by T.
Protein change: p.Arg2814Cys; replaces arginine 2814 with cysteine.
Molecular consequence: missense variant.
Genome position (GRCh38, 1-based): chr17:31,374,075, C>T. VCF-style: chr17-31374075-C-T. GRCh37 (hg19) VCF-style: chr17-29701093-C-T.
Other names: c.8377C>T, p.Arg2793Cys (NM_000267.4); short protein forms R2793C, R2814C.
Identifiers: ClinVar variation 229682 (VCV000229682.13), dbSNP rs876658139, ClinGen allele CA10580434.